The following is an entry in ClinVar:

NM_007294.4(BRCA1):c.68del (p.Glu23fs)

Gene: BRCA1 (BRCA1 DNA repair associated; minus strand). Cytogenetic location: 17q21.31.
Variant type: Deletion.
Coding change: c.68del on transcript NM_007294.4 (MANE Select); coding-DNA position 68, one base deleted (A; older notation c.68delA).
Protein change: p.Glu23fs; shifts the reading frame from glutamic acid 23.
Molecular consequence: frameshift variant. On other transcripts: 5 prime UTR variant (1), non-coding transcript variant (1).
Genome position (GRCh38, 1-based): chr17:43,124,029, T deleted on the plus strand (A on the coding strand, the reverse complement: BRCA1 is on the minus strand). VCF-style (leftmost placement, unchanged base first): chr17-43124028-CT-C. GRCh37 (hg19) VCF-style: chr17-41276045-CT-C.
Other names: 187delA; c.68delA, p.Glu23Glyfs (NM_001408403.1, NM_001408404.1, NM_001408406.1 and 192 more transcripts); c.-193delA (NM_001408410.1, NM_001408452.1, NM_001408462.1 and 22 more transcripts); c.-20delA (NM_001408454.1, NM_001408459.1, NM_001408460.1 and 22 more transcripts); c.-190delA (NM_001408455.1, NM_001408456.1, NM_001408468.1 and 11 more transcripts); c.-194delA (NM_001408465.1, NM_001407695.1); c.-121delA (NM_001408478.1, NM_001408479.1, NM_001408480.1 and 46 more transcripts); c.-266delA (NM_001408482.1); and 11 more; short protein forms E23fs.
Identifiers: ClinVar variation 266568 (VCV000266568.4), dbSNP rs886040309, ClinGen allele CA10590043.

ClinVar aggregate classification (germline): Pathogenic (3 of 4 stars; one submission).

Conditions:
Breast-ovarian cancer, familial, susceptibility to, 1 (BROVCA1). Also called: BRCA1 Hereditary Breast and Ovarian Cancer; OVARIAN CANCER, SUSCEPTIBILITY TO. Identifiers: Orphanet 145, MedGen C2676676, MONDO:0011450, OMIM 604370. Disease mechanism: loss of function.

Submission:

Evidence-based Network for the Interpretation of Germline Mutant Alleles (ENIGMA)
Classification: Pathogenic for Breast-ovarian cancer, familial, susceptibility to, 1. Last evaluated: 2016-10-18. Review status: reviewed by expert panel. Criteria: ENIGMA BRCA1/2 Classification Criteria (2015). Collection method: curation. Allele origin: germline.
Comment: Variant allele predicted to encode a truncated non-functional protein.